The following is an entry in ClinVar:

NM_000081.4(LYST):c.997C>A (p.His333Asn)

Gene: LYST (lysosomal trafficking regulator; minus strand). Cytogenetic location: 1q42.3.
Variant type: single nucleotide variant.
Coding change: c.997C>A on transcript NM_000081.4 (MANE Select); coding-DNA position 997, C replaced by A.
Protein change: p.His333Asn; replaces histidine 333 with asparagine.
Molecular consequence: missense variant.
Genome position (GRCh38, 1-based): chr1:235,809,821, G>T on the plus strand (C>A on the coding strand, the complement: LYST is on the minus strand). VCF-style: chr1-235809821-G-T. GRCh37 (hg19) VCF-style: chr1-235973121-G-T.
Other names: c.997C>A, p.His333Asn (NM_001301365.1); short protein forms H333N.
Identifiers: ClinVar variation 1488634 (VCV001488634.5), dbSNP rs140821981, ClinGen allele CA344963496.

ClinVar aggregate classification (germline): Uncertain significance (1 of 4 stars; one submission).

Conditions:
Chédiak-Higashi syndrome (CHS). Also called: Chediak-Higashi Syndrome. Identifiers: Orphanet 167, MedGen C0007965, MONDO:0008963, OMIM 214500.

Submission:

Labcorp Genetics (formerly Invitae), Labcorp
Classification: Uncertain significance for Chédiak-Higashi syndrome. Last evaluated: 2021-10-21. Review status: criteria provided, single submitter. Criteria: Invitae Variant Classification Sherloc (09022015). Collection method: clinical testing. Allele origin: germline.
Comment: This variant is not present in population databases (ExAC no frequency). This variant has not been reported in the literature in individuals affected with LYST-related conditions. Algorithms developed to predict the effect of missense changes on protein structure and function are either unavailable or do not agree on the potential impact of this missense change (SIFT: "Tolerated"; PolyPhen-2: "Probably Damaging"; Align-GVGD: "Class C0"). In summary, the available evidence is currently insufficient to determine the role of this variant in disease. Therefore, it has been classified as a Variant of Uncertain Significance. This sequence change replaces histidine with asparagine at codon 333 of the LYST protein (p.His333Asn). The histidine residue is moderately conserved and there is a small physicochemical difference between histidine and asparagine.